The following is an entry in ClinVar:

NM_005585.5(SMAD6):c.1387A>C (p.Ser463Arg)

Gene: SMAD6 (SMAD family member 6; plus strand). Cytogenetic location: 15q22.31.
Variant type: single nucleotide variant.
Coding change: c.1387A>C on transcript NM_005585.5 (MANE Select); coding-DNA position 1387, A replaced by C.
Protein change: p.Ser463Arg; replaces serine 463 with arginine.
Molecular consequence: missense variant. On other transcripts: non-coding transcript variant (1).
Genome position (GRCh38, 1-based): chr15:66,781,431, A>C. VCF-style: chr15-66781431-A-C. GRCh37 (hg19) VCF-style: chr15-67073769-A-C.
Other names: short protein forms S463R.
Identifiers: ClinVar variation 2568134 (VCV002568134.2), dbSNP rs955917344, ClinGen allele CA272023913.

ClinVar aggregate classification (germline): Uncertain significance (1 of 4 stars; one submission).

Conditions:
Inborn genetic diseases. Identifiers: MedGen C0950123, MeSH D030342.

Allele frequency attached by ClinVar (database versions not stated): gnomAD exomes below 0.00001.
gnomAD v4.1: 1 of 1,605,176 alleles (0.000062%); highest among the groups gnomAD compares: Non-Finnish European, 0.000085%; no homozygotes.

Submission:

Ambry Genetics
Classification: Uncertain significance for Inborn genetic diseases. Last evaluated: 2023-05-26. Review status: criteria provided, single submitter. Criteria: Ambry Variant Classification Scheme 2023. Collection method: clinical testing. Allele origin: germline.
Comment: The p.S463R variant (also known as c.1387A>C), located in coding exon 4 of the SMAD6 gene, results from an A to C substitution at nucleotide position 1387. The serine at codon 463 is replaced by arginine, an amino acid with dissimilar properties. This amino acid position is conserved. In addition, this alteration is predicted to be deleterious by in silico analysis. Since supporting evidence is limited at this time, the clinical significance of this alteration remains unclear.